The following is an entry in ClinVar:

ClinVar aggregate classification (germline): Conflicting classifications of pathogenicity. Review status: criteria provided, conflicting classifications (1 of 4 stars). 7 submissions from 7 submitters: Uncertain significance (3); Likely benign (3). 1 of the submissions does not count toward it. Last evaluated 2026-01-13.

Conditions:
ANK1-related disorder. Also called: ANK1-related condition.
Hereditary spherocytosis type 1. Also called: Spherocytosis type 1; ANK1-Related Spherocytosis. Identifiers: Orphanet 822, MedGen C2674218, MONDO:0008447, OMIM 182900.

Allele frequency attached by ClinVar (database versions not stated): gnomAD 0.00119 and 0.00116; ESP Exome Variant Server 0.00146; TOPMed 0.00156; 1000 Genomes Project 0.00100; 1000 Genomes Project 30x 0.00109.
gnomAD v4.1: 2,841 of 1,614,154 alleles (0.18%); highest among the groups gnomAD compares: Non-Finnish European, 0.22%; 3 homozygotes.

Submissions (7):

Labcorp Genetics (formerly Invitae), Labcorp
Classification: Likely benign. Last evaluated: 2026-01-13. Review status: criteria provided, single submitter. Criteria: Invitae Variant Classification Sherloc (09022015). Collection method: clinical testing. Allele origin: germline.

Mayo Clinic Laboratories, Mayo Clinic
Classification: Uncertain significance. Last evaluated: 2025-05-05. Review status: criteria provided, single submitter. Criteria: ACMG Guidelines, 2015. Collection method: clinical testing. Allele origin: germline. Observed: 4 variant alleles.

ARUP Laboratories, Molecular Genetics and Genomics, ARUP Laboratories
Classification: Likely benign for Hereditary spherocytosis type 1. Last evaluated: 2025-03-20. Review status: criteria provided, single submitter. Criteria: ARUP Molecular Germline Variant Investigation Process 2024. Collection method: clinical testing. Allele origin: germline.

Blueprint Genetics
Classification: Likely benign. Last evaluated: 2024-11-26. Review status: criteria provided, single submitter. Criteria: ACMG Guidelines, 2015. Collection method: clinical testing. Allele origin: germline.

Laboratorio de Genetica e Diagnostico Molecular, Hospital Israelita Albert Einstein
Classification: Uncertain significance. Last evaluated: 2019-05-24. Review status: criteria provided, single submitter. Criteria: ACMG Guidelines, 2015. Collection method: clinical testing. Allele origin: germline. Affected: yes.
Comment: ACMG classification criteria: PM2

Illumina Laboratory Services, Illumina
Classification: Uncertain significance for Hereditary spherocytosis type 1. Last evaluated: 2017-04-27. Review status: criteria provided, single submitter. Criteria: ICSL Variant Classification Criteria 13 December 2019. Collection method: clinical testing. Allele origin: germline.

PreventionGenetics, part of Exact Sciences
Classification: Likely benign for ANK1-related condition. Last evaluated: 2021-02-24. Review status: no assertion criteria provided. Collection method: clinical testing. Allele origin: germline. Not counted in ClinVar's aggregate classification.
Comment: This variant is classified as likely benign based on ACMG/AMP sequence variant interpretation guidelines (Richards et al. 2015 PMID: 25741868, with internal and published modifications).

Literature cited by the submitters: PubMed 35351432 (cited by Mayo Clinic Laboratories, Mayo Clinic).

NM_000037.4(ANK1):c.997G>A (p.Asp333Asn)

Gene: ANK1 (ankyrin 1; minus strand). Cytogenetic location: 8p11.21.
Variant type: single nucleotide variant.
Coding change: c.997G>A on transcript NM_000037.4 (MANE Select); coding-DNA position 997, G replaced by A.
Protein change: p.Asp333Asn; replaces aspartic acid 333 with asparagine.
Molecular consequence: missense variant.
Genome position (GRCh38, 1-based): chr8:41,719,771, C>T on the plus strand (G>A on the coding strand, the complement: ANK1 is on the minus strand). VCF-style: chr8-41719771-C-T. GRCh37 (hg19) VCF-style: chr8-41577289-C-T.
Other names: p.Asp333Asn; c.1096G>A, p.Asp366Asn (NM_001142446.2); c.997G>A, p.Asp333Asn (NM_020475.3, NM_020476.3, NM_020477.3); c.997G>A (NM_020476.2); short protein forms D333N, D366N.
Identifiers: ClinVar variation 911065 (VCV000911065.22), dbSNP rs147608206, ClinGen allele CA4728769.